The following is an entry in ClinVar:

NM_006231.4(POLE):c.459C>G (p.Ile153Met)

Gene: POLE (DNA polymerase epsilon, catalytic subunit; minus strand). Cytogenetic location: 12q24.33.
Variant type: single nucleotide variant.
Coding change: c.459C>G on transcript NM_006231.4 (MANE Select); coding-DNA position 459, C replaced by G.
Protein change: p.Ile153Met; replaces isoleucine 153 with methionine.
Molecular consequence: missense variant.
Genome position (GRCh38, 1-based): chr12:132,679,616, G>C on the plus strand (C>G on the coding strand, the complement: POLE is on the minus strand). VCF-style: chr12-132679616-G-C. GRCh37 (hg19) VCF-style: chr12-133256202-G-C.
Other names: c.459C>G (NM_006231.2); short protein forms I153M.
Identifiers: ClinVar variation 473675 (VCV000473675.9), dbSNP rs371147799, ClinGen allele CA6894310.

ClinVar aggregate classification (germline): Conflicting classifications of pathogenicity. Review status: criteria provided, conflicting classifications (1 of 4 stars). 2 submissions from 2 submitters: Uncertain significance (1); Likely benign (1). Last evaluated 2025-05-04.

Conditions:
Hereditary cancer-predisposing syndrome. Also called: Neoplastic Syndromes, Hereditary; Tumor predisposition; Hereditary Cancer Syndrome; Hereditary neoplastic syndrome. Identifiers: Orphanet 140162, MedGen C0027672, MeSH D009386, MONDO:0015356.

Allele frequency attached by ClinVar (database versions not stated): ExAC 0.00002; TOPMed 0.00002; gnomAD 0.00003; ESP Exome Variant Server 0.00008.
gnomAD v4.1: 8 of 1,612,782 alleles (0.0005%); highest among the groups gnomAD compares: African/African-American, 0.011%; no homozygotes.

Submissions (2):

Labcorp Genetics (formerly Invitae), Labcorp
Classification: Uncertain significance. Last evaluated: 2025-05-04. Review status: criteria provided, single submitter. Criteria: Invitae Variant Classification Sherloc (09022015). Collection method: clinical testing. Allele origin: germline.
Comment: This sequence change replaces isoleucine, which is neutral and non-polar, with methionine, which is neutral and non-polar, at codon 153 of the POLE protein (p.Ile153Met). This variant is present in population databases (rs371147799, gnomAD 0.03%). This variant has not been reported in the literature in individuals affected with POLE-related conditions. ClinVar contains an entry for this variant (Variation ID: 473675). Invitae Evidence Modeling of protein sequence and biophysical properties (such as structural, functional, and spatial information, amino acid conservation, physicochemical variation, residue mobility, and thermodynamic stability) indicates that this missense variant is not expected to disrupt POLE protein function with a negative predictive value of 80%. In summary, the available evidence is currently insufficient to determine the role of this variant in disease. Therefore, it has been classified as a Variant of Uncertain Significance.

Ambry Genetics
Classification: Likely benign for Hereditary cancer-predisposing syndrome. Last evaluated: 2024-10-17. Review status: criteria provided, single submitter. Criteria: Ambry Variant Classification Scheme 2023. Collection method: clinical testing. Allele origin: germline.